The following is an entry in ClinVar:

ClinVar aggregate classification (germline): Likely benign. Review status: criteria provided, single submitter (1 of 4 stars). 2 submissions from 2 submitters: Likely benign (1). 1 of the submissions does not count toward it. Last evaluated 2024-07-08.

Conditions:
Nephronophthisis 15 (NPHP15). Identifiers: Orphanet 3156, MedGen C3541853, MONDO:0013917, OMIM 614845.
CEP164-related disorder. Also called: CEP164-related condition.

Allele frequency attached by ClinVar (database versions not stated): gnomAD exomes below 0.00001; TOPMed below 0.00001; gnomAD 0.00001; ExAC 0.00003; ESP Exome Variant Server 0.00008.
gnomAD v4.1: 6 of 1,613,956 alleles (0.00037%); highest among the groups gnomAD compares: Admixed American, 0.0033%; no homozygotes.

Submissions (2):

Labcorp Genetics (formerly Invitae), Labcorp
Classification: Likely benign for Nephronophthisis 15. Last evaluated: 2024-07-08. Review status: criteria provided, single submitter. Criteria: Invitae Variant Classification Sherloc (09022015). Collection method: clinical testing. Allele origin: germline.

PreventionGenetics, part of Exact Sciences
Classification: Likely benign for CEP164-related condition. Last evaluated: 2021-06-18. Review status: no assertion criteria provided. Collection method: clinical testing. Allele origin: germline. Not counted in ClinVar's aggregate classification.
Comment: This variant is classified as likely benign based on ACMG/AMP sequence variant interpretation guidelines (Richards et al. 2015 PMID: 25741868, with internal and published modifications).

NM_014956.5(CEP164):c.3297C>G (p.Val1099=)

Gene: CEP164 (centrosomal protein 164; plus strand). Cytogenetic location: 11q23.3.
Variant type: single nucleotide variant.
Coding change: c.3297C>G on transcript NM_014956.5 (MANE Select); coding-DNA position 3297, C replaced by G.
Protein change: p.Val1099=; no amino-acid change (valine 1099 retained).
Molecular consequence: synonymous variant.
Genome position (GRCh38, 1-based): chr11:117,397,109, C>G. VCF-style: chr11-117397109-C-G. GRCh37 (hg19) VCF-style: chr11-117267825-C-G.
Other names: c.3297C>G (NM_014956.4); c.3306C>G, p.Val1102= (NM_001271933.2).
Identifiers: ClinVar variation 2151787 (VCV002151787.6), dbSNP rs368262589, ClinGen allele CA6295413.